The following is an entry in ClinVar:

NM_005609.4(PYGM):c.120C>T (p.Leu40=)

Gene: PYGM (glycogen phosphorylase, muscle associated; minus strand). Cytogenetic location: 11q13.1.
Variant type: single nucleotide variant.
Coding change: c.120C>T on transcript NM_005609.4 (MANE Select); coding-DNA position 120, C replaced by T.
Protein change: p.Leu40=; no amino-acid change (leucine 40 retained).
Molecular consequence: synonymous variant.
Genome position (GRCh38, 1-based): chr11:64,759,779, G>A on the plus strand (C>T on the coding strand, the complement: PYGM is on the minus strand). VCF-style: chr11-64759779-G-A. GRCh37 (hg19) VCF-style: chr11-64527251-G-A.
Other names: c.120C>T, p.Leu40= (NM_001164716.1).
Identifiers: ClinVar variation 389478 (VCV000389478.5), dbSNP rs370819554, ClinGen allele CA6080368.
Genomic context (GRCh38, chr11:64,759,779, plus strand): 5'-CACGGTATGGGCCAGAGCAAAGTAGTAGTCTCGTGGGGTGGCCACATTGCGGTCCTTTAC[G>A]AGTGTGAAATGCAGGTGCCGGTTGAAGTTCTTTTTCAGCTCAGTCACGTTCTCCACGCCG-3'
Protein context (NP_005600.1, residues 30-50): KNFNRHLHFT[Leu40=]VKDRNVATPR

ClinVar aggregate classification (germline): Likely benign. Review status: criteria provided, multiple submitters, no conflicts (2 of 4 stars). 2 submissions from 2 submitters: Likely benign (2). Last evaluated 2025-12-28.

Conditions:
Glycogen storage disease, type V (GSD5). Also called: MYOPHOSPHORYLASE DEFICIENCY; MCARDLE DISEASE; MUSCLE GLYCOGEN PHOSPHORYLASE DEFICIENCY; PYGM DEFICIENCY; McArdle type glycogen storage disease. Identifiers: Orphanet 368, MedGen C0017924, MONDO:0009293, OMIM 232600.

Allele frequency attached by ClinVar (database versions not stated): gnomAD exomes 0.00003 and 0.00007; ExAC 0.00007; gnomAD 0.00008 and 0.00009; TOPMed 0.00009; ESP Exome Variant Server 0.00015.
gnomAD v4.1: 64 of 1,614,082 alleles (0.004%); highest among the groups gnomAD compares: South Asian, 0.0033%; no homozygotes.

Submissions (2):

Labcorp Genetics (formerly Invitae), Labcorp
Classification: Likely benign for Glycogen storage disease, type V. Last evaluated: 2025-12-28. Review status: criteria provided, single submitter. Criteria: Invitae Variant Classification Sherloc (09022015). Collection method: clinical testing. Allele origin: germline.

GeneDx
Classification: Likely benign. Last evaluated: 2017-06-27. Review status: criteria provided, single submitter. Criteria: GeneDx Variant Classification (06012015). Collection method: clinical testing. Allele origin: germline. Affected: yes.
Comment: This variant is considered likely benign or benign based on one or more of the following criteria: it is a conservative change, it occurs at a poorly conserved position in the protein, it is predicted to be benign by multiple in silico algorithms, and/or has population frequency not consistent with disease.